The following is an entry in ClinVar:

ClinVar aggregate classification (germline): Uncertain significance (1 of 4 stars; one submission).

Submission:

Labcorp Genetics (formerly Invitae), Labcorp
Classification: Uncertain significance. Last evaluated: 2022-09-08. Review status: criteria provided, single submitter. Criteria: Invitae Variant Classification Sherloc (09022015). Collection method: clinical testing. Allele origin: germline.
Comment: This variant is not present in population databases (gnomAD no frequency). This sequence change replaces valine, which is neutral and non-polar, with alanine, which is neutral and non-polar, at codon 5 of the SAMD9L protein (p.Val5Ala). This variant has not been reported in the literature in individuals affected with SAMD9L-related conditions. Algorithms developed to predict the effect of missense changes on protein structure and function output the following: SIFT: "Not Available"; PolyPhen-2: "Benign"; Align-GVGD: "Not Available". The alanine amino acid residue is found in multiple mammalian species, which suggests that this missense change does not adversely affect protein function. In summary, the available evidence is currently insufficient to determine the role of this variant in disease. Therefore, it has been classified as a Variant of Uncertain Significance.

NM_152703.5(SAMD9L):c.14T>C (p.Val5Ala)

Gene: SAMD9L (sterile alpha motif domain containing 9 like; minus strand). Cytogenetic location: 7q21.2.
Variant type: single nucleotide variant.
Coding change: c.14T>C on transcript NM_152703.5 (MANE Select); coding-DNA position 14, T replaced by C.
Protein change: p.Val5Ala; replaces valine 5 with alanine.
Molecular consequence: missense variant.
Genome position (GRCh38, 1-based): chr7:93,135,958, A>G on the plus strand (T>C on the coding strand, the complement: SAMD9L is on the minus strand). VCF-style: chr7-93135958-A-G. GRCh37 (hg19) VCF-style: chr7-92765271-A-G.
Other names: c.14T>C, p.Val5Ala (NM_001303496.3, NM_001303497.3, NM_001303498.3 and 5 more transcripts); short protein forms V5A.
Identifiers: ClinVar variation 1968500 (VCV001968500.5), dbSNP rs2535442213, ClinGen allele CA368207096.